The following is an entry in ClinVar:

NM_004698.4(PRPF3):c.1426+1G>A

Gene: PRPF3 (pre-mRNA processing factor 3; plus strand). Cytogenetic location: 1q21.2.
Variant type: single nucleotide variant.
Coding change: c.1426+1G>A on transcript NM_004698.4 (MANE Select); the canonical splice donor site of the intron after coding-DNA position 1426, G replaced by A.
Molecular consequence: splice donor variant.
Genome position (GRCh38, 1-based): chr1:150,343,453, G>A. VCF-style: chr1-150343453-G-A. GRCh37 (hg19) VCF-style: chr1-150315929-G-A.
Other names: c.1021+1G>A (NM_001350529.1).
Identifiers: ClinVar variation 1996039 (VCV001996039.4), dbSNP rs2525216689, ClinGen allele CA342280338.

ClinVar aggregate classification (germline): Pathogenic (1 of 4 stars; one submission).

Submission:

Labcorp Genetics (formerly Invitae), Labcorp
Classification: Pathogenic. Last evaluated: 2024-01-24. Review status: criteria provided, single submitter. Criteria: Invitae Variant Classification Sherloc (09022015). Collection method: clinical testing. Allele origin: germline.
Comment: This sequence change affects a donor splice site in intron 10 of the PRPF3 gene. It is expected to disrupt RNA splicing. Variants that disrupt the donor or acceptor splice site typically lead to a loss of protein function (PMID: 16199547), and loss-of-function variants in PRPF3 are known to be pathogenic (PMID: 17932117, 21378395, 32531858, 35138024). This variant is not present in population databases (gnomAD no frequency). Disruption of this splice site has been observed in individuals with retinitis pigmentosa (PMID: 35138024; Invitae). ClinVar contains an entry for this variant (Variation ID: 1996039). Algorithms developed to predict the effect of sequence changes on RNA splicing suggest that this variant may disrupt the consensus splice site. For these reasons, this variant has been classified as Pathogenic.

Literature cited by the submitters: PubMed 16199547; PubMed 17932117; PubMed 21378395; PubMed 32531858; PubMed 35138024.